The following is an entry in ClinVar:

NM_001145073.3(USP27X):c.874G>A (p.Glu292Lys)

Gene: USP27X (ubiquitin specific peptidase 27 X-linked; plus strand). Cytogenetic location: Xp11.23.
Variant type: single nucleotide variant.
Coding change: c.874G>A on transcript NM_001145073.3 (MANE Select); coding-DNA position 874, G replaced by A.
Protein change: p.Glu292Lys; replaces glutamic acid 292 with lysine.
Molecular consequence: missense variant.
Genome position (GRCh38, 1-based): chrX:49,881,181, G>A. VCF-style: chrX-49881181-G-A. GRCh37 (hg19) VCF-style: chrX-49645784-G-A.
Other names: short protein forms E292K.
Identifiers: ClinVar variation 5037628 (VCV005037628.1).

ClinVar aggregate classification (germline): Uncertain significance (1 of 4 stars; one submission).

Submission:

GeneDx
Classification: Uncertain significance. Last evaluated: 2026-04-23. Review status: criteria provided, single submitter. Criteria: GeneDx Variant Classification Process June 2021. Collection method: clinical testing. Allele origin: germline.
Comment: Not observed at significant frequency in large population cohorts (gnomAD); In silico analysis supports that this missense variant has a deleterious effect on protein structure/function; Has not been previously published as pathogenic or benign to our knowledge